The following is an entry in ClinVar:

ClinVar aggregate classification (germline): Likely benign. Review status: criteria provided, multiple submitters, no conflicts (2 of 4 stars). 3 submissions from 3 submitters: Likely benign (3). Last evaluated 2024-05-22.

Conditions:
Catecholaminergic polymorphic ventricular tachycardia (CVPT). Also called: Catecholamine-induced polymorphic ventricular tachycardia. Identifiers: Orphanet 3286, MedGen C5574922, MONDO:0017990.
Cardiomyopathy (CMYO). Also called: Cardiomyopathies. Identifiers: Orphanet 167848, MedGen C0878544, MONDO:0004994, HP:0001638. Inheritance: Various modes of inheritance.
Catecholaminergic polymorphic ventricular tachycardia 1. Also called: VENTRICULAR TACHYCARDIA, CATECHOLAMINERGIC POLYMORPHIC, 1, WITH OR WITHOUT ATRIAL DYSFUNCTION AND/OR DILATED CARDIOMYOPATHY; RYR2-Related Catecholaminergic Polymorphic Ventricular Tachycardia; VENTRICULAR TACHYCARDIA, STRESS-INDUCED POLYMORPHIC 1. Identifiers: Orphanet 3286, MedGen C1631597, MONDO:0011484, OMIM 604772.

Allele frequency attached by ClinVar (database versions not stated): gnomAD exomes below 0.00001 and 0.00001; ExAC 0.00003.
gnomAD v4.1: 5 of 1,579,028 alleles (0.00032%); highest among the groups gnomAD compares: South Asian, 0.0046%; no homozygotes.

Submissions (3):

Labcorp Genetics (formerly Invitae), Labcorp
Classification: Likely benign for Catecholaminergic polymorphic ventricular tachycardia 1. Last evaluated: 2024-05-22. Review status: criteria provided, single submitter. Criteria: Invitae Variant Classification Sherloc (09022015). Collection method: clinical testing. Allele origin: germline.

All of Us Research Program, National Institutes of Health
Classification: Likely benign for Catecholaminergic polymorphic ventricular tachycardia. Last evaluated: 2023-04-28. Review status: criteria provided, single submitter. Criteria: ACMG Guidelines, 2015. Collection method: clinical testing. Allele origin: germline. Inheritance: Autosomal dominant inheritance. Observed: 1 variant allele, 1 heterozygote.
Comment: This study involves interpretation of variants in research participants for the purpose of population health screening. Participant phenotype was not available at the time of variant classification. Additional details can be found in publication PMID: 35346344, PMCID: PMC8962531

Color Diagnostics, LLC DBA Color Health
Classification: Likely benign for Cardiomyopathy. Last evaluated: 2018-12-31. Review status: criteria provided, single submitter. Criteria: ACMG Guidelines, 2015. Collection method: clinical testing. Allele origin: germline.

NM_001035.3(RYR2):c.13564-7G>C

Gene: RYR2 (ryanodine receptor 2; plus strand). Cytogenetic location: 1q43.
Variant type: single nucleotide variant.
Coding change: c.13564-7G>C on transcript NM_001035.3 (MANE Select); 7 bases into the intron before coding-DNA position 13564, G replaced by C.
Molecular consequence: intron variant.
Genome position (GRCh38, 1-based): chr1:237,792,098, G>C. VCF-style: chr1-237792098-G-C. GRCh37 (hg19) VCF-style: chr1-237955398-G-C.
Identifiers: ClinVar variation 922916 (VCV000922916.9), dbSNP rs765254375, ClinGen allele CA085413.